The following is an entry in ClinVar:

NM_001384474.1(LOXHD1):c.4868A>G (p.Glu1623Gly)

Gene: LOXHD1 (lipoxygenase homology PLAT domains 1; minus strand). Cytogenetic location: 18q21.1.
Variant type: single nucleotide variant.
Coding change: c.4868A>G on transcript NM_001384474.1 (MANE Select); coding-DNA position 4868, A replaced by G.
Protein change: p.Glu1623Gly; replaces glutamic acid 1623 with glycine.
Molecular consequence: missense variant.
Genome position (GRCh38, 1-based): chr18:46,524,474, T>C on the plus strand (A>G on the coding strand, the complement: LOXHD1 is on the minus strand). VCF-style: chr18-46524474-T-C. GRCh37 (hg19) VCF-style: chr18-44104437-T-C.
Other names: c.1535A>G, p.Glu512Gly (NM_001145472.3); c.1247A>G, p.Glu416Gly (NM_001308013.2); c.4868A>G, p.Glu1623Gly (NM_144612.7); short protein forms E1623G, E512G, E416G.
Identifiers: ClinVar variation 47941 (VCV000047941.24), dbSNP rs12606417, ClinGen allele CA142228.

ClinVar aggregate classification (germline): Benign/Likely benign. Review status: criteria provided, multiple submitters, no conflicts (2 of 4 stars). 9 submissions from 9 submitters: Benign (6); Likely benign (2). 1 of the submissions does not count toward it. Last evaluated 2026-02-04.

Conditions:
Autosomal recessive nonsyndromic hearing loss 77. Identifiers: Orphanet 90636, MedGen C2746083, MONDO:0013119, OMIM 613079.

Allele frequency attached by ClinVar (database versions not stated): 1000 Genomes Project 30x 0.06137; 1000 Genomes Project 0.06250; gnomAD 0.06969 and 0.06993; TOPMed 0.07111; gnomAD exomes 0.07667 and 0.09391; ExAC 0.08416; ESP Exome Variant Server 0.08804.
gnomAD v4.1: 142,035 of 1,551,170 alleles (9.2%); highest among the groups gnomAD compares: Non-Finnish European, 10%; 7,016 homozygotes.

Submissions (9):

Labcorp Genetics (formerly Invitae), Labcorp
Classification: Benign. Last evaluated: 2026-02-04. Review status: criteria provided, single submitter. Criteria: Invitae Variant Classification Sherloc (09022015). Collection method: clinical testing. Allele origin: germline.

Genome-Nilou Lab
Classification: Benign for Autosomal recessive nonsyndromic hearing loss 77. Last evaluated: 2021-07-10. Review status: criteria provided, single submitter. Criteria: ACMG Guidelines, 2015. Collection method: clinical testing. Allele origin: germline. Affected: no.

Mayo Clinic Laboratories, Mayo Clinic
Classification: Benign. Last evaluated: 2020-08-13. Review status: criteria provided, single submitter. Criteria: ACMG Guidelines, 2015. Collection method: clinical testing. Allele origin: germline. Observed: 26 variant alleles.

Illumina Laboratory Services, Illumina
Classification: Likely benign for Autosomal recessive nonsyndromic hearing loss 77. Last evaluated: 2018-01-13. Review status: criteria provided, single submitter. Criteria: ICSL Variant Classification Criteria 13 December 2019. Collection method: clinical testing. Allele origin: germline.
Comment: This variant was observed in the ICSL laboratory as part of a predisposition screen in an ostensibly healthy population. It had not been previously curated by ICSL or reported in the Human Gene Mutation Database (HGMD: prior to June 1st, 2018), and was therefore a candidate for classification through an automated scoring system. Utilizing variant allele frequency, disease prevalence and penetrance estimates, and inheritance mode, an automated score was calculated to assess if this variant is too frequent to cause the disease. Based on the score and internal cut-off values, a variant classified as likely benign is not then subjected to further curation. The score for this variant resulted in a classification of likely benign for this disease.

GeneDx
Classification: Benign. Last evaluated: 2017-05-09. Review status: criteria provided, single submitter. Criteria: GeneDx Variant Classification (06012015). Collection method: clinical testing. Allele origin: germline. Affected: yes.
Comment: This variant is considered likely benign or benign based on one or more of the following criteria: it is a conservative change, it occurs at a poorly conserved position in the protein, it is predicted to be benign by multiple in silico algorithms, and/or has population frequency not consistent with disease.

Laboratory for Molecular Medicine, Mass General Brigham Personalized Medicine
Classification: Benign. Last evaluated: 2012-05-07. Review status: criteria provided, single submitter. Criteria: LMM Criteria. Collection method: clinical testing. Allele origin: germline. Observed: 269 variant alleles.
Comment: Glu1623Gly in Exon 31 of LOXHD1: This variant is not expected to have clinical s ignificance because it has been identified in 11.1% (281/2532) of European Ameri can chromosomes from a broad population by the NHLBI Exome Sequencing Project (dbSNP rs12606417).

Breakthrough Genomics
Classification: Likely benign. Review status: criteria provided, single submitter. Criteria: ACMG Guidelines, 2015. Collection method: not provided. Allele origin: germline. Inheritance: Autosomal recessive inheritance. Affected: yes.

PreventionGenetics, part of Exact Sciences
Classification: Benign. Review status: criteria provided, single submitter. Criteria: ACMG Guidelines, 2015. Collection method: clinical testing. Allele origin: germline.

Natera, Inc.
Classification: Benign for Autosomal recessive deafness type 77. Last evaluated: 2020-09-16. Review status: no assertion criteria provided. Collection method: clinical testing. Allele origin: germline. Not counted in ClinVar's aggregate classification.